The following is an entry in ClinVar:

ClinVar aggregate classification (germline): Conflicting classifications of pathogenicity. Review status: criteria provided, conflicting classifications (1 of 4 stars). 10 submissions from 10 submitters: Pathogenic (1); Likely pathogenic (2); Uncertain significance (6). 1 of the submissions does not count toward it. Last evaluated 2026-06-28.

Conditions:
Peroxisome biogenesis disorder 3A (Zellweger). Also called: Peroxisome biogenesis disorder 3A; PEROXISOMAL BIOGENESIS DISORDER 3A (ZELLWEGER). Identifiers: Orphanet 912, MedGen C3553929, MONDO:0013927, OMIM 614859.
Peroxisome biogenesis disorder type 3B. Identifiers: Orphanet 44, Orphanet 772, MedGen C3550693, MONDO:0009959, OMIM 266510.
Peroxisome biogenesis disorder. Identifiers: Orphanet 79189, MedGen C1832200, MONDO:0019234. Disease mechanism: loss of function.

Submissions (10):

Myriad Genetics, Inc.
Classification: Uncertain significance for Peroxisome biogenesis disorder. Last evaluated: 2026-06-28. Review status: criteria provided, single submitter. Criteria: Myriad Autosomal Dominant, Autosomal Recessive and X-Linked Classification Criteria (2023). Collection method: clinical testing. Allele origin: unknown.
Comment: NM_000286.2(PEX12):c.368_370delTTC(L123del) is an in-frame deletion classified as a variant of uncertain significance in the context of peroxisome biogenesis disorder type 3. L123del has been observed in cases with relevant disease (PMID: 38773729, 29773809, 21031596). Relevant functional assessments of this variant are available in the literature (PMID: 29773809). L123del has been observed in referenced population frequency databases. In summary, there is insufficient evidence to classify NM_000286.2(PEX12):c.368_370delTTC(L123del) as pathogenic or benign. Please note: this variant was assessed in the context of healthy population screening.

Department of Molecular Genetics, Istishari Arab Hospital
Classification: Likely pathogenic for Peroxisome biogenesis disorder 3A (Zellweger). Last evaluated: 2026-01-17. Review status: criteria provided, single submitter. Criteria: ACMG Guidelines, 2015. Collection method: clinical testing. Allele origin: germline. Inheritance: Autosomal recessive inheritance. Affected: yes.
Comment: The PEX12 variant c.368_370delTTC p.(Leu123del) is an in-frame deletion of 3 bps in exon(s) no. 2 (of 3), which causes the loss of residue Leu at position 123. In-house, this variant was previously identified as disease-causing in two unrelated patients with overlapping clinical phenotypes. It is classified as likely pathogenic based on the implementation of the ACMG/AMP/ClinGen SVI guidelines

3billion
Classification: Uncertain significance for Peroxisome biogenesis disorder type 3B. Last evaluated: 2025-02-03. Review status: criteria provided, single submitter. Criteria: ACMG Guidelines, 2015. Collection method: clinical testing. Allele origin: germline. Affected: yes.
Comment: The variant is observed at an extremely low frequency in the gnomAD v4.1.0 dataset (total allele frequency: <0.001%). Predicted Consequence/Location: Inframe deletion located in a nonrepeat region: predicted to change the length of the protein and disrupt normal protein function. The variant has been reported to be associated with PEX12-related disorder (ClinVar ID: VCV000377276). However, the evidence of pathogenicity is insufficient at this time. Therefore, this variant is classified as VUS according to the recommendation of ACMG/AMP guideline.

Blueprint Genetics
Classification: Uncertain significance. Last evaluated: 2024-11-24. Review status: criteria provided, single submitter. Criteria: ACMG Guidelines, 2015. Collection method: clinical testing. Allele origin: germline.

Labcorp Genetics (formerly Invitae), Labcorp
Classification: Uncertain significance for Peroxisome biogenesis disorder 3A (Zellweger). Last evaluated: 2022-10-30. Review status: criteria provided, single submitter. Criteria: Invitae Variant Classification Sherloc (09022015). Collection method: clinical testing. Allele origin: germline.
Comment: This variant, c.368_370del, results in the deletion of 1 amino acid(s) of the PEX12 protein (p.Leu123del), but otherwise preserves the integrity of the reading frame. This variant is present in population databases (rs751058068, gnomAD 0.008%). This variant has not been reported in the literature in individuals affected with PEX12-related conditions. ClinVar contains an entry for this variant (Variation ID: 377276). Experimental studies and prediction algorithms are not available or were not evaluated, and the functional significance of this variant is currently unknown. In summary, the available evidence is currently insufficient to determine the role of this variant in disease. Therefore, it has been classified as a Variant of Uncertain Significance.

Women's Health and Genetics/Laboratory Corporation of America, LabCorp
Classification: Uncertain significance. Last evaluated: 2022-08-25. Review status: criteria provided, single submitter. Criteria: LabCorp Variant Classification Summary - May 2015. Collection method: clinical testing. Allele origin: germline.
Comment: Variant summary: PEX12 c.368_370delTTC (p.Leu123del) results in an in-frame deletion that is predicted to remove one amino acid from the encoded protein. The variant allele was found at a frequency of 2e-05 in 251230 control chromosomes (gnomAD). The available data on variant occurrences in the general population are insufficient to allow any conclusion about variant significance. The variant, described as p.Leu123del, has been reported in the literature in the heterozygous state (i.e. without an identified second variant) in at-least one individual, who was affected with mild clinical phenotype of the Zellweger Syndrome spectrum (Soliman_2018). Authors of this study also performed functional studies with patient derived fibroblasts and demonstrated both peroxisomal- and Zellweger-like cytoplasmic catalase localization, decreased cellular peroxisome number, and additional cellular alterations (Soliman_2018). This report does not provide unequivocal conclusions about association of the variant with Zellweger Syndrome. Five clinical diagnostic laboratories have submitted clinical-significance assessments for this variant to ClinVar after 2014 and classified the variant as VUS (n=3), likely pathogenic (n=1) and pathogenic (n=1). Based on the evidence outlined above, the variant was classified as uncertain significance.

Institute for Clinical Genetics, University Hospital TU Dresden, University Hospital TU Dresden
Classification: Pathogenic. Last evaluated: 2021-11-03. Review status: criteria provided, single submitter. Criteria: ACMG Guidelines, 2015. Collection method: clinical testing. Allele origin: germline.

Mendelics
Classification: Likely pathogenic for Peroxisome biogenesis disorder type 3B. Last evaluated: 2019-05-28. Review status: criteria provided, single submitter. Criteria: Mendelics Assertion Criteria 2017. Collection method: clinical testing. Allele origin: unknown.

Center for Pediatric Genomic Medicine, Children's Mercy Hospital and Clinics
Classification: Uncertain significance. Last evaluated: 2016-09-08. Review status: criteria provided, single submitter. Criteria: ACMG Guidelines, 2015. Collection method: clinical testing. Allele origin: germline.
ClinVar note: Converted during submission from Uncertain Significance to Uncertain significance.

Counsyl
Classification: Uncertain significance for Peroxisome biogenesis disorder type 3B; Peroxisome biogenesis disorder 3A (Zellweger). Last evaluated: 2018-01-31. Review status: no assertion criteria provided. Collection method: clinical testing. Allele origin: unknown. Not counted in ClinVar's aggregate classification.

Literature cited by the submitters: PubMed 21031596 (cited by Myriad Genetics, Inc.); PubMed 29773809 (cited by Myriad Genetics, Inc. and Women's Health and Genetics/Laboratory Corporation of America, LabCorp); PubMed 38773729 (cited by Myriad Genetics, Inc.).

NM_000286.3(PEX12):c.362TTC[2] (p.Leu123del)

Gene: PEX12 (peroxisomal biogenesis factor 12; minus strand). Cytogenetic location: 17q12.
Variant type: Microsatellite.
Coding change: c.362TTC[2] on transcript NM_000286.3 (MANE Select); two copies in a row of the 3-base unit TTC starting at c.362; the reference has three copies in a row; one copy, 3 bases deleted; also written c.368_370del.
Protein change: p.Leu123del; deletes leucine 123.
Molecular consequence: inframe deletion.
Genome position (GRCh38, 1-based): chr17:35,577,348-35,577,350, GAA deleted on the plus strand (TTC on the coding strand, the reverse complement: PEX12 is on the minus strand); deleting any 3 consecutive bases within chr17:35,577,348-35,577,356 gives the same sequence; the position shown is the placement nearest the transcript's 3' end. VCF-style (leftmost placement, unchanged base first): chr17-35577347-GGAA-G. GRCh37 (hg19) VCF-style: chr17-33904366-GGAA-G.
Other names: p.(Leu123del); c.368_370del (NM_000286.3); c.368_370delTTC (NM_000286.2); short protein forms L123del.
Identifiers: ClinVar variation 377276 (VCV000377276.16), dbSNP rs751058068, ClinGen allele CA8504918.